The following is an entry in ClinVar:

NM_001128225.3(SLC39A13):c.694C>T (p.His232Tyr)

Gene: SLC39A13 (solute carrier family 39 member 13; plus strand). Cytogenetic location: 11p11.2.
Variant type: single nucleotide variant.
Coding change: c.694C>T on transcript NM_001128225.3 (MANE Select); coding-DNA position 694, C replaced by T.
Protein change: p.His232Tyr; replaces histidine 232 with tyrosine.
Molecular consequence: missense variant. On other transcripts: non-coding transcript variant (1).
Genome position (GRCh38, 1-based): chr11:47,413,645, C>T. VCF-style: chr11-47413645-C-T. GRCh37 (hg19) VCF-style: chr11-47435196-C-T.
Other names: c.694C>T, p.His232Tyr (NM_001330245.2, NM_152264.5); short protein forms H232Y.
Identifiers: ClinVar variation 2146137 (VCV002146137.1), dbSNP rs747508005, ClinGen allele CA221689947.

ClinVar aggregate classification (germline): Uncertain significance (1 of 4 stars; one submission).

Conditions:
Ehlers-Danlos syndrome, spondylodysplastic type, 3. Also called: Ehlers-Danlos syndrome, spondylocheirodysplastic type. Identifiers: Orphanet 157965, MedGen C2676510, MONDO:0012873, OMIM 612350.

Allele frequency attached by ClinVar (database versions not stated): gnomAD exomes below 0.00001; gnomAD 0.00001; TOPMed 0.00002.

Submission:

Labcorp Genetics (formerly Invitae), Labcorp
Classification: Uncertain significance for Ehlers-Danlos syndrome, spondylodysplastic type, 3. Last evaluated: 2022-07-21. Review status: criteria provided, single submitter. Criteria: Invitae Variant Classification Sherloc (09022015). Collection method: clinical testing. Allele origin: germline.
Comment: This sequence change replaces histidine, which is basic and polar, with tyrosine, which is neutral and polar, at codon 232 of the SLC39A13 protein (p.His232Tyr). This variant is present in population databases (rs747508005, gnomAD 0.0009%). This variant has not been reported in the literature in individuals affected with SLC39A13-related conditions. Algorithms developed to predict the effect of missense changes on protein structure and function are either unavailable or do not agree on the potential impact of this missense change (SIFT: "Deleterious"; PolyPhen-2: "Probably Damaging"; Align-GVGD: "Class C15"). In summary, the available evidence is currently insufficient to determine the role of this variant in disease. Therefore, it has been classified as a Variant of Uncertain Significance.